The following is an entry in ClinVar:

ClinVar aggregate classification (germline): Uncertain significance (1 of 4 stars; one submission).

gnomAD v4.1: 1 of 1,613,662 alleles (0.000062%); highest among the groups gnomAD compares: Non-Finnish European, 0.000085%; no homozygotes.

Submission:

Women's Health and Genetics/Laboratory Corporation of America, LabCorp
Classification: Uncertain significance. Last evaluated: 2024-10-22. Review status: criteria provided, single submitter. Criteria: LabCorp Variant Classification Summary - May 2015. Collection method: clinical testing. Allele origin: germline.
Comment: Variant summary: PAH c.696G>C (p.Gln232His) results in a non-conservative amino acid change located in the catalytic domain (IPR041912) of the encoded protein sequence. Four of five in-silico tools predict a benign effect of the variant on protein function. The variant allele was found at a frequency of 4e-06 in 251250 control chromosomes (gnomAD). The available data on variant occurrences in the general population are insufficient to allow any conclusion about variant significance. To our knowledge, no occurrence of c.696G>C in individuals affected with Phenylalanine Hydroxylase Deficiency (Phenylketonuria) and no experimental evidence demonstrating its impact on protein function have been reported. A different missense affecting the same amino acid (p.Gln232Glu), have been classified as Likely pathogenic in ClinVar, citing in vitro functional evidence [Variation ID 619160], suggesting that this residue might be functionally important. No submitters have cited clinical-significance assessments for this variant to ClinVar. Based on the evidence outlined above, the variant was classified as uncertain significance.

NM_000277.3(PAH):c.696G>C (p.Gln232His)

Gene: PAH (phenylalanine hydroxylase; minus strand). Cytogenetic location: 12q23.2.
Variant type: single nucleotide variant.
Coding change: c.696G>C on transcript NM_000277.3 (MANE Select); coding-DNA position 696, G replaced by C.
Protein change: p.Gln232His; replaces glutamine 232 with histidine.
Molecular consequence: missense variant.
Genome position (GRCh38, 1-based): chr12:102,855,146, C>G on the plus strand (G>C on the coding strand, the complement: PAH is on the minus strand). VCF-style: chr12-102855146-C-G. GRCh37 (hg19) VCF-style: chr12-103248924-C-G.
Other names: c.696G>C, p.Gln232His (NM_001354304.2); short protein forms Q232H.
Identifiers: ClinVar variation 3385145 (VCV003385145.1).